The following is an entry in ClinVar:

ClinVar aggregate classification (germline): Uncertain significance (1 of 4 stars; one submission).

Conditions:
Familial thoracic aortic aneurysm and aortic dissection (TAAD). Also called: Thoracic aortic aneurysms and dissections. Identifiers: Orphanet 91387, MedGen C4707243, MONDO:0019625.

Allele frequency attached by ClinVar (database versions not stated): gnomAD exomes below 0.00001.
gnomAD v4.1: 3 of 1,607,342 alleles (0.00019%); highest among the groups gnomAD compares: Non-Finnish European, 0.00025%; no homozygotes.

Submission:

Color Diagnostics, LLC DBA Color Health
Classification: Uncertain significance for Familial thoracic aortic aneurysm and aortic dissection. Last evaluated: 2024-03-07. Review status: criteria provided, single submitter. Criteria: ACMG Guidelines, 2015. Collection method: clinical testing. Allele origin: germline.
Comment: This missense variant replaces alanine with serine at codon 227 of the COL3A1 protein. Computational prediction suggests that this variant may not impact protein structure and function (internally defined REVEL score threshold <= 0.5, PMID: 27666373). To our knowledge, functional studies have not been reported for this variant. This variant has not been reported in individuals affected with cardiovascular disorders in the literature. This variant has not been identified in the general population by the Genome Aggregation Database (gnomAD). The available evidence is insufficient to determine the role of this variant in disease conclusively. Therefore, this variant is classified as a Variant of Uncertain Significance.

NM_000090.4(COL3A1):c.679G>T (p.Ala227Ser)

Gene: COL3A1 (collagen type III alpha 1 chain; plus strand). Cytogenetic location: 2q32.2.
Variant type: single nucleotide variant.
Coding change: c.679G>T on transcript NM_000090.4 (MANE Select); coding-DNA position 679, G replaced by T.
Protein change: p.Ala227Ser; replaces alanine 227 with serine.
Molecular consequence: missense variant.
Genome position (GRCh38, 1-based): chr2:188,989,438, G>T. VCF-style: chr2-188989438-G-T. GRCh37 (hg19) VCF-style: chr2-189854164-G-T.
Other names: short protein forms A227S.
Identifiers: ClinVar variation 2775095 (VCV002775095.2), dbSNP rs1688132474, ClinGen allele CA349848854.